The following is an entry in ClinVar:

NM_024747.6(HPS6):c.632G>C (p.Gly211Ala)

Gene: HPS6 (HPS6 biogenesis of lysosomal organelles complex 2 subunit 3; plus strand). Cytogenetic location: 10q24.32.
Variant type: single nucleotide variant.
Coding change: c.632G>C on transcript NM_024747.6 (MANE Select); coding-DNA position 632, G replaced by C.
Protein change: p.Gly211Ala; replaces glycine 211 with alanine.
Molecular consequence: missense variant.
Genome position (GRCh38, 1-based): chr10:102,066,106, G>C. VCF-style: chr10-102066106-G-C. GRCh37 (hg19) VCF-style: chr10-103825863-G-C.
Other names: p.Gly211Ala; short protein forms G211A.
Identifiers: ClinVar variation 261765 (VCV000261765.21), dbSNP rs200584437, ClinGen allele CA5659819.

ClinVar aggregate classification (germline): Benign/Likely benign. Review status: criteria provided, multiple submitters, no conflicts (2 of 4 stars). 7 submissions from 7 submitters: Benign (4); Likely benign (3). Last evaluated 2026-02-04.

Conditions:
Hermansky-Pudlak syndrome 6 (HPS6). Identifiers: Orphanet 231512, Orphanet 79430, MedGen C3888007, MONDO:0013558, OMIM 614075.

Allele frequency attached by ClinVar (database versions not stated): ESP Exome Variant Server 0.00008; gnomAD exomes 0.00119 and 0.00519; gnomAD 0.00183 and 0.00189; TOPMed 0.00267; ExAC 0.00415; 1000 Genomes Project 0.00439; 1000 Genomes Project 30x 0.00453.

Submissions (7):

Labcorp Genetics (formerly Invitae), Labcorp
Classification: Benign. Last evaluated: 2026-02-04. Review status: criteria provided, single submitter. Criteria: Invitae Variant Classification Sherloc (09022015). Collection method: clinical testing. Allele origin: germline.

Mayo Clinic Laboratories, Mayo Clinic
Classification: Benign. Last evaluated: 2023-12-07. Review status: criteria provided, single submitter. Criteria: ACMG Guidelines, 2015. Collection method: clinical testing. Allele origin: germline. Observed: 6 variant alleles.
Comment: BS1, BS2, BP4, BP6

Fulgent Genetics
Classification: Likely benign for Hermansky-Pudlak syndrome 6. Last evaluated: 2021-08-02. Review status: criteria provided, single submitter. Criteria: ACMG Guidelines, 2015. Collection method: clinical testing. Allele origin: unknown.

Illumina Laboratory Services, Illumina
Classification: Likely benign for Hermansky-Pudlak syndrome 6. Last evaluated: 2017-04-27. Review status: criteria provided, single submitter. Criteria: ICSL Variant Classification Criteria 13 December 2019. Collection method: clinical testing. Allele origin: germline.
Comment: This variant was observed as part of a predisposition screen in an ostensibly healthy population. A literature search was performed for the gene, cDNA change, and amino acid change (where applicable). No publications were found based on this search. Allele frequency data from public databases allowed determination this variant is unlikely to cause disease. Therefore, this variant is classified as likely benign.

Breakthrough Genomics
Classification: Likely benign. Review status: criteria provided, single submitter. Criteria: ACMG Guidelines, 2015. Collection method: not provided. Allele origin: germline. Inheritance: Autosomal recessive inheritance. Affected: yes.

ISTH-SSC Genomics in Thrombosis and Hemostasis, KU Leuven, Center for Molecular and Vascular Biology
Classification: Benign for Hermansky-Pudlak syndrome 6. Review status: criteria provided, single submitter. Criteria: ACMG Guidelines, 2015. Collection method: clinical testing. Allele origin: germline. Affected: yes. Observed: 1 heterozygote.
Comment: Submitted to GoldVariant by Jose María Bastida and José Rivera; Grupo Español de Alteraciones Plaquetarias Congénitas (GEAPC)

PreventionGenetics, part of Exact Sciences
Classification: Benign. Review status: criteria provided, single submitter. Criteria: ACMG Guidelines, 2015. Collection method: clinical testing. Allele origin: germline.